The following is an entry in ClinVar:

ClinVar aggregate classification (germline): Benign (1 of 4 stars; one submission).

Conditions:
Histiocytic medullary reticulosis. Also called: Omenn syndrome; SEVERE COMBINED IMMUNODEFICIENCY WITH HYPEREOSINOPHILIA. Identifiers: Orphanet 39041, MedGen C2700553, MONDO:0011338, OMIM 603554.

Allele frequency attached by ClinVar (database versions not stated): 1000 Genomes Project 30x 0.00703; 1000 Genomes Project 0.00739; gnomAD 0.00938 and 0.01017; TOPMed 0.01090.
gnomAD v4.1: 1,394 of 150,464 alleles (0.93%); highest among the groups gnomAD compares: African/African-American, 3.2%; 20 homozygotes.

Submission:

Illumina Laboratory Services, Illumina
Classification: Benign for Histiocytic medullary reticulosis. Last evaluated: 2018-01-12. Review status: criteria provided, single submitter. Criteria: ICSL Variant Classification Criteria 13 December 2019. Collection method: clinical testing. Allele origin: germline.
Comment: This variant was observed in the ICSL laboratory as part of a predisposition screen in an ostensibly healthy population. It had not been previously curated by ICSL or reported in the Human Gene Mutation Database (HGMD: prior to June 1st, 2018), and was therefore a candidate for classification through an automated scoring system. Utilizing variant allele frequency, disease prevalence and penetrance estimates, and inheritance mode, an automated score was calculated to assess if this variant is too frequent to cause the disease. Based on the score and internal cut-off values, a variant classified as benign is not then subjected to further curation. The score for this variant resulted in a classification of benign for this disease.

NM_001033855.3(DCLRE1C):c.*1125T>C

Gene: DCLRE1C (DNA cross-link repair 1C; minus strand). Cytogenetic location: 10p13.
Variant type: single nucleotide variant.
Coding change: c.*1125T>C on transcript NM_001033855.3 (MANE Select); 1125 bases downstream of the stop codon, T replaced by C.
Molecular consequence: 3 prime UTR variant. On other transcripts: non-coding transcript variant (3), intron variant (3).
Genome position (GRCh38, 1-based): chr10:14,907,283, A>G on the plus strand (T>C on the coding strand, the complement: DCLRE1C is on the minus strand). VCF-style: chr10-14907283-A-G. GRCh37 (hg19) VCF-style: chr10-14949282-A-G.
Other names: c.*1125T>C (NM_001033857.3, NM_001033858.3, NM_001289076.2 and 4 more transcripts); c.1437+1422T>C (NM_001350966.2); c.1782+1422T>C (NM_001350965.2); c.1422+1422T>C (NM_001350967.2).
Identifiers: ClinVar variation 879854 (VCV000879854.4), dbSNP rs41300692, ClinGen allele CA203426053.